The following is an entry in ClinVar:

NM_000059.4(BRCA2):c.8632+1354C>T

Gene: BRCA2 (BRCA2 DNA repair associated; plus strand). Cytogenetic location: 13q13.1.
Variant type: single nucleotide variant.
Coding change: c.8632+1354C>T on transcript NM_000059.4 (MANE Select); 1354 bases into the intron after coding-DNA position 8632, C replaced by T.
Molecular consequence: intron variant.
Genome position (GRCh38, 1-based): chr13:32,372,454, C>T. VCF-style: chr13-32372454-C-T. GRCh37 (hg19) VCF-style: chr13-32946591-C-T.
Other names: c.8632+1354C>T (NM_001406720.1); c.8536+1354C>T (NM_001406719.1); c.3700+1354C>T (NM_001406721.1); c.2215+1354C>T (NM_001406722.1).
Identifiers: ClinVar variation 2831366 (VCV002831366.3), dbSNP rs2548551425, ClinGen allele CA2739277520.

ClinVar aggregate classification (germline): Uncertain significance (1 of 4 stars; one submission).

Conditions:
Hereditary breast ovarian cancer syndrome. Also called: Hereditary breast and ovarian cancer; BRCA1- and BRCA2-Associated Hereditary Breast and Ovarian Cancer; Hereditary breast and ovarian cancer syndrome; Hereditary breast and ovarian cancer syndrome (HBOC); Breast and ovarian cancer; Hereditary breast and/or ovarian cancer syndrome. Identifiers: Orphanet 145, MedGen C0677776, MeSH D061325, MONDO:0003582. Disease mechanism: loss of function.

Submission:

Labcorp Genetics (formerly Invitae), Labcorp
Classification: Uncertain significance for Hereditary breast ovarian cancer syndrome. Last evaluated: 2023-01-23. Review status: criteria provided, single submitter. Criteria: Invitae Variant Classification Sherloc (09022015). Collection method: clinical testing. Allele origin: germline.
Comment: In summary, the available evidence is currently insufficient to determine the role of this variant in disease. Therefore, it has been classified as a Variant of Uncertain Significance. Studies have shown that this variant results in the activation of a cryptic splice site in intron 20 (Invitae). This variant has not been reported in the literature in individuals affected with BRCA2-related conditions. This variant is not present in population databases (gnomAD no frequency). This sequence change falls in intron 20 of the BRCA2 gene. It does not directly change the encoded amino acid sequence of the BRCA2 protein. RNA analysis indicates that this variant induces altered splicing and likely results in the gain of 66 amino acid residue(s), but is expected to preserve the integrity of the reading-frame.